The following is an entry in ClinVar:

ClinVar aggregate classification (germline): Likely pathogenic (1 of 4 stars; one submission).

Conditions:
Alport syndrome. Also called: Hemorrhagic familial nephritis; Hemorrhagic hereditary nephritis; Congenital hereditary hematuria. Identifiers: Orphanet 63, MedGen C1567741, MONDO:0018965.

Submission:

Victorian Clinical Genetics Services, Murdoch Childrens Research Institute
Classification: Likely pathogenic for Alport syndrome. Last evaluated: 2022-02-02. Review status: criteria provided, single submitter. Criteria: ACMG Guidelines, 2015. Collection method: clinical testing. Allele origin: germline. Affected: yes.
Comment: Based on the classification scheme VCGS_Germline_v1.3.4, this variant is classified as Likely Pathogenic. Following criteria are met: 0102 - Loss of function is a known mechanism of disease for this gene and is associated with COL4A4-related nephropathy. Dominant negative is a suspected mechanism of disease for this gene (PMIDs: 12028435, 24046192). (I) 0108 - This gene is associated with both recessive and dominant disease. Alport syndrome typically has biallelic inheritance, although rare cases of monoallelic inheritance have been reported (PMID: 28704582). TBMN and focal segmental glomerulosclerosis (FSGS) are associated with autosomal dominant inheritance (OMIM, PMID: 16467446, 17942953). (I) 0200 - Variant is predicted to result in a missense amino acid change from glycine to arginine. (I) 0251 - This variant is heterozygous. (I) 0301 - Variant is absent from gnomAD (both v2 and v3). (SP) 0501 - Missense variant consistently predicted to be damaging by multiple in silico tools or highly conserved with a major amino acid change. (SP) 0601 - Variant is located in the well-established functional G-X-Y triple helical region (Uniprot). (SP) 0705 - No comparable missense variants have previous evidence for pathogenicity. (I) 0803 - This variant has limited previous evidence of pathogenicity in an unrelated individual. (SP) 0905 - No published segregation evidence has been identified for this variant. (I) 1007 - No published functional evidence has been identified for this variant. (I) 1208 - Inheritance information for this variant is not currently available in this individual. (I) Legend: (SP) - Supporting pathogenic, (I) - Information, (SB) - Supporting benign

Literature cited by the submitters: PubMed 12028435; PubMed 16467446; PubMed 17942953; PubMed 24046192; PubMed 28704582.

NM_000092.5(COL4A4):c.1030G>A (p.Gly344Arg)

Gene: COL4A4 (collagen type IV alpha 4 chain; minus strand). Cytogenetic location: 2q36.3.
Variant type: single nucleotide variant.
Coding change: c.1030G>A on transcript NM_000092.5 (MANE Select); coding-DNA position 1030, G replaced by A.
Protein change: p.Gly344Arg; replaces glycine 344 with arginine.
Molecular consequence: missense variant.
Genome position (GRCh38, 1-based): chr2:227,099,689, C>T on the plus strand (G>A on the coding strand, the complement: COL4A4 is on the minus strand). VCF-style: chr2-227099689-C-T. GRCh37 (hg19) VCF-style: chr2-227964405-C-T.
Other names: short protein forms G344R.
Identifiers: ClinVar variation 3376574 (VCV003376574.1), dbSNP rs267599231.